The following is an entry in ClinVar:

ClinVar aggregate classification (germline): Uncertain significance (1 of 4 stars; one submission).

Conditions:
Glycogen storage disease, type II (IOPD). Also called: Pompe Disease; CARDIOMEGALIA GLYCOGENICA DIFFUSA; GLYCOGENOSIS, GENERALIZED, CARDIAC FORM; GSD II; POMPE DISEASE, INFANTILE-ONSET; GLYCOGEN STORAGE DISEASE II, INFANTILE-ONSET. Identifiers: Orphanet 365, MedGen C0017921, MONDO:0009290, OMIM 232300.

Submission:

Genomenon, Inc
Classification: Uncertain significance for Glycogen storage disease, type II. Last evaluated: 2026-07-01. Review status: criteria provided, single submitter. Criteria: Genomenon Sequence Variant Interpretation Standards - Updated. Collection method: curation. Allele origin: germline. Affected: no.
Comment: GAA p.Leu917Phe (c.2749C>T) is a missense variant that changes the amino acid at codon 917 from Leucine to Phenylalanine. This variant has been reported in the published literature (PMID:24627108). It is absent or not present at a significant frequency in gnomAD. In silico models predict that this variant is not damaging. In conclusion, we classify GAA p.Leu917Phe (c.2749C>T) as a variant of uncertain significance.

Literature cited by the submitters: PubMed 24627108.

NM_000152.5(GAA):c.2749C>T (p.Leu917Phe)

Gene: GAA (alpha glucosidase; plus strand). Cytogenetic location: 17q25.3.
Variant type: single nucleotide variant.
Coding change: c.2749C>T on transcript NM_000152.5 (MANE Select); coding-DNA position 2749, C replaced by T.
Protein change: p.Leu917Phe; replaces leucine 917 with phenylalanine.
Molecular consequence: missense variant.
Genome position (GRCh38, 1-based): chr17:80,118,755, C>T. VCF-style: chr17-80118755-C-T. GRCh37 (hg19) VCF-style: chr17-78092554-C-T.
Other names: c.2749C>T, p.Leu917Phe (NM_001079803.3, NM_001079804.3, NM_001406741.1 and 1 more transcripts); short protein forms L917F.
Identifiers: ClinVar variation 4876599 (VCV004876599.1).
Genomic context (GRCh38, chr17:80,118,755, plus strand): 5'-GCTGGCCTGCAGCTGCAGAAGGTGACTGTCCTGGGCGTGGCCACGGCGCCCCAGCAGGTC[C>T]TCTCCAACGGTGTCCCTGTCTCCAACTTCACCTACAGCCCCGACACCAAGGCAAGAGGGC-3'
Protein context (NP_000143.2, residues 907-927): LGVATAPQQV[Leu917Phe]SNGVPVSNFT